The following is an entry in ClinVar:

NM_005120.3(MED12):c.4297G>A (p.Ala1433Thr)

Gene: MED12 (mediator complex subunit 12; plus strand). Cytogenetic location: Xq13.1.
Variant type: single nucleotide variant.
Coding change: c.4297G>A on transcript NM_005120.3 (MANE Select); coding-DNA position 4297, G replaced by A.
Protein change: p.Ala1433Thr; replaces alanine 1433 with threonine.
Molecular consequence: missense variant.
Genome position (GRCh38, 1-based): chrX:71,132,420, G>A. VCF-style: chrX-71132420-G-A. GRCh37 (hg19) VCF-style: chrX-70352270-G-A.
Other names: short protein forms A1433T.
Identifiers: ClinVar variation 1739475 (VCV001739475.4), dbSNP rs2147814444, ClinGen allele CA413526232.
Genomic context (GRCh38, chrX:71,132,420, plus strand): 5'-CTCTGTCTGTTCTCCAGCTCTCTAGAGCGCTCTGGTGTATGGCTGGTGGCCCCCCTCATT[G>A]CTAAACTGCCCACCTCAGTCCAGGGACATGTGTTAAAGGCTGCTGGGGAAGAATTGGAGA-3'
Protein context (NP_005111.2, residues 1423-1443): SGVWLVAPLI[Ala1433Thr]KLPTSVQGHV

ClinVar aggregate classification (germline): Uncertain significance. Review status: criteria provided, multiple submitters, no conflicts (2 of 4 stars). 2 submissions from 2 submitters: Uncertain significance (2). Last evaluated 2025-10-03.

Conditions:
FG syndrome (FGS). Identifiers: MedGen C0220769, MONDO:0002010.
MED12-related intellectual disability syndrome. Identifiers: MedGen CN305246, MONDO:0100000.
Familial thoracic aortic aneurysm and aortic dissection (TAAD). Also called: Thoracic aortic aneurysms and dissections. Identifiers: Orphanet 91387, MedGen C4707243, MONDO:0019625.

Submissions (2):

Labcorp Genetics (formerly Invitae), Labcorp
Classification: Uncertain significance for FG syndrome. Last evaluated: 2025-10-03. Review status: criteria provided, single submitter. Criteria: Invitae Variant Classification Sherloc (09022015). Collection method: clinical testing. Allele origin: germline.
Comment: This sequence change replaces alanine, which is neutral and non-polar, with threonine, which is neutral and polar, at codon 1433 of the MED12 protein (p.Ala1433Thr). This variant is not present in population databases (gnomAD no frequency). This variant has not been reported in the literature in individuals affected with MED12-related conditions. ClinVar contains an entry for this variant (Variation ID: 1739475). Invitae Evidence Modeling of protein sequence and biophysical properties (such as structural, functional, and spatial information, amino acid conservation, physicochemical variation, residue mobility, and thermodynamic stability) has been performed for this missense variant. However, the output from this modeling did not meet the statistical confidence thresholds required to predict the impact of this variant on MED12 protein function. In summary, the available evidence is currently insufficient to determine the role of this variant in disease. Therefore, it has been classified as a Variant of Uncertain Significance.

Ambry Genetics
Classification: Uncertain significance for Familial thoracic aortic aneurysm and aortic dissection. Last evaluated: 2019-01-24. Review status: criteria provided, single submitter. Criteria: Ambry Variant Classification Scheme 2023. Collection method: clinical testing. Allele origin: germline.
Comment: The p.A1433T variant (also known as c.4297G>A), located in coding exon 31 of the MED12 gene, results from a G to A substitution at nucleotide position 4297. The alanine at codon 1433 is replaced by threonine, an amino acid with similar properties. This amino acid position is highly conserved in available vertebrate species. In addition, the in silico prediction for this alteration is inconclusive. Since supporting evidence is limited at this time, the clinical significance of this alteration remains unclear.